The following is an entry in ClinVar:

NM_182548.4(LHFPL5):c.*560G>C

Gene: LHFPL5 (LHFPL tetraspan subfamily member 5; plus strand). Cytogenetic location: 6p21.31.
Variant type: single nucleotide variant.
Coding change: c.*560G>C on transcript NM_182548.4 (MANE Select); 560 bases downstream of the stop codon, G replaced by C.
Molecular consequence: 3 prime UTR variant.
Genome position (GRCh38, 1-based): chr6:35,823,525, G>C. VCF-style: chr6-35823525-G-C. GRCh37 (hg19) VCF-style: chr6-35791302-G-C.
Identifiers: ClinVar variation 356545 (VCV000356545.5), dbSNP rs9462125, ClinGen allele CA10623767.

ClinVar aggregate classification (germline): Benign (1 of 4 stars; one submission).

Conditions:
Autosomal recessive nonsyndromic hearing loss 67. Identifiers: Orphanet 90636, MedGen C1853223, MONDO:0012460, OMIM 610265.

Allele frequency attached by ClinVar (database versions not stated): gnomAD exomes 0.09494; 1000 Genomes Project 0.29373; 1000 Genomes Project 30x 0.29513; TOPMed 0.30260.
gnomAD v4.1: 45,465 of 147,810 alleles (31%); highest among the groups gnomAD compares: South Asian, 42%; 7,539 homozygotes.

Submission:

Illumina Laboratory Services, Illumina
Classification: Benign for Autosomal recessive nonsyndromic hearing loss 67. Last evaluated: 2018-01-13. Review status: criteria provided, single submitter. Criteria: ICSL Variant Classification Criteria 13 December 2019. Collection method: clinical testing. Allele origin: germline.
Comment: This variant was observed in the ICSL laboratory as part of a predisposition screen in an ostensibly healthy population. It had not been previously curated by ICSL or reported in the Human Gene Mutation Database (HGMD: prior to June 1st, 2018), and was therefore a candidate for classification through an automated scoring system. Utilizing variant allele frequency, disease prevalence and penetrance estimates, and inheritance mode, an automated score was calculated to assess if this variant is too frequent to cause the disease. Based on the score and internal cut-off values, a variant classified as benign is not then subjected to further curation. The score for this variant resulted in a classification of benign for this disease.